The following is an entry in ClinVar:

NM_004174.4(SLC9A3):c.1638C>A (p.Tyr546Ter)

Genes: SLC9A3 (solute carrier family 9 member A3), SLC9A3-AS1 (SLC9A3 antisense RNA 1; plus strand). Cytogenetic location: 5p15.33.
Variant type: single nucleotide variant.
Coding change: c.1638C>A on transcript NM_004174.4 (MANE Select); coding-DNA position 1638, C replaced by A.
Protein change: p.Tyr546Ter; replaces tyrosine 546 with a stop codon.
Molecular consequence: nonsense. On other transcripts: non-coding transcript variant (1).
Genome position (GRCh38, 1-based): chr5:479,845, G>T on the plus strand (C>A on the coding strand, the complement: SLC9A3 is on the minus strand). VCF-style: chr5-479845-G-T. GRCh37 (hg19) VCF-style: chr5-479960-G-T.
Other names: c.1611C>A, p.Tyr537Ter (NM_001284351.3); short protein forms Y537*, Y546*.
Identifiers: ClinVar variation 3651914 (VCV003651914.2).

ClinVar aggregate classification (germline): Pathogenic (1 of 4 stars; one submission).

Submission:

Labcorp Genetics (formerly Invitae), Labcorp
Classification: Pathogenic. Last evaluated: 2024-09-24. Review status: criteria provided, single submitter. Criteria: Invitae Variant Classification Sherloc (09022015). Collection method: clinical testing. Allele origin: germline.
Comment: This sequence change creates a premature translational stop signal (p.Tyr546*) in the SLC9A3 gene. It is expected to result in an absent or disrupted protein product. Loss-of-function variants in SLC9A3 are known to be pathogenic (PMID: 26358773). This variant is not present in population databases (gnomAD no frequency). This variant has not been reported in the literature in individuals affected with SLC9A3-related conditions. For these reasons, this variant has been classified as Pathogenic.

Literature cited by the submitters: PubMed 26358773.